The following is an entry in ClinVar:

ClinVar aggregate classification (germline): Benign/Likely benign. Review status: criteria provided, multiple submitters, no conflicts (2 of 4 stars). 5 submissions from 4 submitters: Benign (1); Likely benign (4). Last evaluated 2025-12-15.

Conditions:
Developmental and epileptic encephalopathy, 14 (DEE14). Also called: Early infantile epileptic encephalopathy 14. Identifiers: Orphanet 293181, MedGen C3554195, MONDO:0013989, OMIM 614959.
Autosomal dominant nocturnal frontal lobe epilepsy 5. Also called: KCNT1-Related Epilepsy; CILIARY DYSKINESIA, PRIMARY, 28, WITHOUT SITUS INVERSUS; CILIARY DYSKINESIA, PRIMARY, 28, WITH SITUS INVERSUS; Epilepsy, nocturnal frontal lobe, 5. Identifiers: Orphanet 98784, MedGen C3554306, MONDO:0014002, OMIM 615005.

Allele frequency attached by ClinVar (database versions not stated): ESP Exome Variant Server 0.00031; gnomAD exomes 0.00036; gnomAD 0.00059; ExAC 0.00065; TOPMed 0.00068; 1000 Genomes Project 30x 0.00125; 1000 Genomes Project 0.00140.
gnomAD v4.1: 244 of 1,552,968 alleles (0.016%); highest among the groups gnomAD compares: African/African-American, 0.16%; no homozygotes.

Submissions (5):

Labcorp Genetics (formerly Invitae), Labcorp
Classification: Benign for Autosomal dominant nocturnal frontal lobe epilepsy 5; Developmental and epileptic encephalopathy, 14. Last evaluated: 2025-12-15. Review status: criteria provided, single submitter. Criteria: Invitae Variant Classification Sherloc (09022015). Collection method: clinical testing. Allele origin: germline.

Blueprint Genetics
Classification: Likely benign. Last evaluated: 2024-10-01. Review status: criteria provided, single submitter. Criteria: ACMG Guidelines, 2015. Collection method: clinical testing. Allele origin: germline.

Genome-Nilou Lab
Classification: Likely benign for Developmental and epileptic encephalopathy, 14. Last evaluated: 2022-03-15. Review status: criteria provided, single submitter. Criteria: ACMG Guidelines, 2015. Collection method: clinical testing. Allele origin: germline. Affected: no.

Genome-Nilou Lab
Classification: Likely benign for Autosomal dominant nocturnal frontal lobe epilepsy 5. Last evaluated: 2022-03-15. Review status: criteria provided, single submitter. Criteria: ACMG Guidelines, 2015. Collection method: clinical testing. Allele origin: germline. Affected: no.

GeneDx
Classification: Likely benign. Last evaluated: 2018-02-05. Review status: criteria provided, single submitter. Criteria: GeneDx Variant Classification (06012015). Collection method: clinical testing. Allele origin: germline. Affected: yes.
Comment: This variant is considered likely benign or benign based on one or more of the following criteria: it is a conservative change, it occurs at a poorly conserved position in the protein, it is predicted to be benign by multiple in silico algorithms, and/or has population frequency not consistent with disease.

NM_020822.3(KCNT1):c.1770-16C>T

Gene: KCNT1 (potassium sodium-activated channel subfamily T member 1; plus strand). Cytogenetic location: 9q34.3.
Variant type: single nucleotide variant.
Coding change: c.1770-16C>T on transcript NM_020822.3 (MANE Select); 16 bases into the intron before coding-DNA position 1770, C replaced by T.
Molecular consequence: intron variant.
Genome position (GRCh38, 1-based): chr9:135,770,841, C>T. VCF-style: chr9-135770841-C-T. GRCh37 (hg19) VCF-style: chr9-138662687-C-T.
Other names: c.1635-16C>T (NM_001272003.2).
Identifiers: ClinVar variation 384925 (VCV000384925.11), dbSNP rs192658955, ClinGen allele CA5327070.